The following is an entry in ClinVar:

ClinVar aggregate classification (germline): Likely pathogenic (1 of 4 stars; one submission).

Allele frequency attached by ClinVar (database versions not stated): gnomAD exomes below 0.00001 and 0.00002.
gnomAD v4.1: 23 of 1,605,974 alleles (0.0014%); highest among the groups gnomAD compares: Non-Finnish European, 0.0017%; no homozygotes.

Submission:

GeneDx
Classification: Likely pathogenic. Last evaluated: 2023-03-02. Review status: criteria provided, single submitter. Criteria: GeneDx Variant Classification Process June 2021. Collection method: clinical testing. Allele origin: germline. Affected: yes.
Comment: Affects a glycine residue in a Gly-X-Y motif in the triple helical region of the COL4A2 gene, where the majority of pathogenic missense variants occur, and is predicted to disrupt normal protein folding and function (HGMD; Weng et al., 2012; Yoneda et al., 2013); Not observed at a significant frequency in large population cohorts (gnomAD); In silico analysis supports that this missense variant has a deleterious effect on protein structure/function; Has not been previously published as pathogenic or benign to our knowledge; This variant is associated with the following publications: (PMID: 24077912, 22522439, 23225343)

NM_001846.4(COL4A2):c.1414G>A (p.Gly472Arg)

Genes: COL4A2 (collagen type IV alpha 2 chain; plus strand), COL4A2-AS2 (COL4A2 antisense RNA 2; minus strand). Cytogenetic location: 13q34.
Variant type: single nucleotide variant.
Coding change: c.1414G>A on transcript NM_001846.4 (MANE Select); coding-DNA position 1414, G replaced by A.
Protein change: p.Gly472Arg; replaces glycine 472 with arginine.
Molecular consequence: missense variant.
Genome position (GRCh38, 1-based): chr13:110,457,417, G>A. VCF-style: chr13-110457417-G-A. GRCh37 (hg19) VCF-style: chr13-111109764-G-A.
Other names: short protein forms G472R.
Identifiers: ClinVar variation 452055 (VCV000452055.3), dbSNP rs1465203402, ClinGen allele CA388735981.